The following is an entry in ClinVar:

NM_031935.3(HMCN1):c.697G>C (p.Val233Leu)

Gene: HMCN1 (hemicentin 1; plus strand). Cytogenetic location: 1q31.1.
Variant type: single nucleotide variant.
Coding change: c.697G>C on transcript NM_031935.3 (MANE Select); coding-DNA position 697, G replaced by C.
Protein change: p.Val233Leu; replaces valine 233 with leucine.
Molecular consequence: missense variant.
Genome position (GRCh38, 1-based): chr1:185,909,412, G>C. VCF-style: chr1-185909412-G-C. GRCh37 (hg19) VCF-style: chr1-185878544-G-C.
Other names: short protein forms V233L.
Identifiers: ClinVar variation 1460741 (VCV001460741.6), dbSNP rs540097337, ClinGen allele CA1290918.

ClinVar aggregate classification (germline): Uncertain significance (1 of 4 stars; one submission).

Allele frequency attached by ClinVar (database versions not stated): ExAC 0.00002; 1000 Genomes Project 30x 0.00016; 1000 Genomes Project 0.00020.
gnomAD v4.1: 9 of 1,613,452 alleles (0.00056%); highest among the groups gnomAD compares: Middle Eastern, 0.017%; no homozygotes.

Submission:

Labcorp Genetics (formerly Invitae), Labcorp
Classification: Uncertain significance. Last evaluated: 2024-05-22. Review status: criteria provided, single submitter. Criteria: Invitae Variant Classification Sherloc (09022015). Collection method: clinical testing. Allele origin: germline.
Comment: This sequence change replaces valine, which is neutral and non-polar, with leucine, which is neutral and non-polar, at codon 233 of the HMCN1 protein (p.Val233Leu). This variant is present in population databases (rs540097337, gnomAD 0.01%). This variant has not been reported in the literature in individuals affected with HMCN1-related conditions. ClinVar contains an entry for this variant (Variation ID: 1460741). An algorithm developed to predict the effect of missense changes on protein structure and function (PolyPhen-2) suggests that this variant is likely to be tolerated. In summary, the available evidence is currently insufficient to determine the role of this variant in disease. Therefore, it has been classified as a Variant of Uncertain Significance.